The following is an entry in ClinVar:

NM_006393.3(NEBL):c.464A>G (p.Asn155Ser)

Gene: NEBL (nebulette; minus strand). Cytogenetic location: 10p12.31.
Variant type: single nucleotide variant.
Coding change: c.464A>G on transcript NM_006393.3 (MANE Select); coding-DNA position 464, A replaced by G.
Protein change: p.Asn155Ser; replaces asparagine 155 with serine.
Molecular consequence: missense variant. On other transcripts: intron variant (9).
Genome position (GRCh38, 1-based): chr10:20,880,810, T>C on the plus strand (A>G on the coding strand, the complement: NEBL is on the minus strand). VCF-style: chr10-20880810-T-C. GRCh37 (hg19) VCF-style: chr10-21169739-T-C.
Other names: c.250-67870A>G (NM_001377326.1, NM_001377327.1, NM_001377328.1); c.358-67870A>G (NM_213569.2, NM_001173484.2, NM_001377322.1); c.301-67870A>G (NM_001377324.1); c.292-67870A>G (NM_001377325.1); c.310-67870A>G (NM_001377323.1); short protein forms N155S.
Identifiers: ClinVar variation 2085830 (VCV002085830.4), dbSNP rs1456542087, ClinGen allele CA376104443.

ClinVar aggregate classification (germline): Uncertain significance (1 of 4 stars; one submission).

Conditions:
Primary dilated cardiomyopathy (DCM). Also called: Dilated Cardiomyopathy. Identifiers: Orphanet 217604, MedGen C0007193, MeSH D002311, MONDO:0005021, HP:0001644. Inheritance: Various modes of inheritance.

Allele frequency attached by ClinVar (database versions not stated): gnomAD 0.00001; gnomAD exomes 0.00001.
gnomAD v4.1: 10 of 1,612,722 alleles (0.00062%); highest among the groups gnomAD compares: Admixed American, 0.0017%; no homozygotes.

Submission:

Labcorp Genetics (formerly Invitae), Labcorp
Classification: Uncertain significance for Primary dilated cardiomyopathy. Last evaluated: 2022-06-13. Review status: criteria provided, single submitter. Criteria: Invitae Variant Classification Sherloc (09022015). Collection method: clinical testing. Allele origin: germline.
Comment: In summary, the available evidence is currently insufficient to determine the role of this variant in disease. Therefore, it has been classified as a Variant of Uncertain Significance. Algorithms developed to predict the effect of sequence changes on RNA splicing suggest that this variant may disrupt the consensus splice site. Algorithms developed to predict the effect of missense changes on protein structure and function output the following: SIFT: "Tolerated"; PolyPhen-2: "Benign"; Align-GVGD: "Class C0". The serine amino acid residue is found in multiple mammalian species, which suggests that this missense change does not adversely affect protein function. This variant has not been reported in the literature in individuals affected with NEBL-related conditions. This variant is present in population databases (no rsID available, gnomAD 0.004%). This sequence change replaces asparagine, which is neutral and polar, with serine, which is neutral and polar, at codon 155 of the NEBL protein (p.Asn155Ser).